The following is an entry in ClinVar:

NM_000523.4(HOXD13):c.673del (p.Ser225fs)

Gene: HOXD13 (homeobox D13; plus strand). Cytogenetic location: 2q31.1.
Variant type: Deletion.
Coding change: c.673del on transcript NM_000523.4 (MANE Select); coding-DNA position 673, one base deleted (T; older notation c.673delT).
Protein change: p.Ser225fs; shifts the reading frame from serine 225.
Molecular consequence: frameshift variant.
Genome position (GRCh38, 1-based): chr2:176,093,563, T deleted. VCF-style (leftmost placement, unchanged base first): chr2-176093562-CT-C. GRCh37 (hg19) VCF-style: chr2-176958290-CT-C.
Other names: short protein forms S225fs.
Identifiers: ClinVar variation 3382450 (VCV003382450.2).

ClinVar aggregate classification (germline): Pathogenic (1 of 4 stars; one submission).

Conditions:
Synpolydactyly type 1. Identifiers: Orphanet 295195, MedGen C5574994, MONDO:0008513, OMIM 186000.

Submission:

Juno Genomics, Hangzhou Juno Genomics, Inc
Classification: Pathogenic for Synpolydactyly type 1. Review status: criteria provided, single submitter. Criteria: ACMG Guidelines, 2015. Collection method: clinical testing. Allele origin: germline. Affected: yes.
Comment: Absent from controls (or at extremely low frequency if recessive) in Genome Aggregation Database, Exome Sequencing Project, 1000 Genomes Project, or Exome Aggregation Consortium.;Null variant in a gene where loss of function (LOF) is a known mechanism of disease.;Patient's phenotype or family history is highly specific for a disease with a single genetic etiology.